The following is an entry in ClinVar:

NM_147127.5(EVC2):c.889dup (p.Leu297fs)

Gene: EVC2 (EvC ciliary complex subunit 2; minus strand). Cytogenetic location: 4p16.2.
Variant type: Duplication.
Coding change: c.889dup on transcript NM_147127.5 (MANE Select); coding-DNA position 889, one base duplicated (C; older notation c.889dupC).
Protein change: p.Leu297fs; shifts the reading frame from leucine 297.
Molecular consequence: frameshift variant.
Genome position (GRCh38, 1-based): chr4:5,665,631, G duplicated on the plus strand (C on the coding strand, the reverse complement: EVC2 is on the minus strand); the first of 2 consecutive G bases (chr4:5,665,631-5,665,632); duplicating either gives the same sequence. VCF-style (leftmost placement, unchanged base first): chr4-5665630-A-AG. GRCh37 (hg19) VCF-style: chr4-5667357-A-AG.
Other names: c.649dup, p.Leu217fs (NM_001166136.2); short protein forms L217fs, L297fs.
Identifiers: ClinVar variation 5012882 (VCV005012882.1).

ClinVar aggregate classification (germline): Pathogenic (1 of 4 stars; one submission).

Conditions:
Ellis-van Creveld syndrome (EVC). Also called: MESOECTODERMAL DYSPLASIA; Chondroectodermal dysplasia. Identifiers: Orphanet 289, MedGen C0013903, MONDO:0009162, OMIM 225500.

Submission:

Myriad Genetics, Inc.
Classification: Pathogenic for Ellis-van Creveld syndrome. Last evaluated: 2024-03-30. Review status: criteria provided, single submitter. Criteria: Myriad Autosomal Dominant, Autosomal Recessive and X-Linked Classification Criteria (2023). Collection method: clinical testing. Allele origin: unknown.
Comment: NM_147127.4(EVC2):c.889dupC(L297Pfs*44) is expected to be pathogenic in the context of EVC2-related Ellis-van Creveld syndrome. This variant is predicted to lead to an abnormal or absent protein product due to the creation of a premature termination codon in EVC2, a gene where loss-of-function variants are known to be pathogenic. Please note: this variant was assessed in the context of healthy population screening.